The following is an entry in ClinVar:

ClinVar aggregate classification (germline): Uncertain significance. Review status: criteria provided, multiple submitters, no conflicts (2 of 4 stars). 4 submissions from 4 submitters: Uncertain significance (4). Last evaluated 2024-11-01.

Allele frequency attached by ClinVar (database versions not stated): 1000 Genomes Project 0.00020; TOPMed 0.00026; gnomAD 0.00027; 1000 Genomes Project 30x 0.00031; ExAC 0.00043; gnomAD exomes 0.00043.
gnomAD v4.1: 623 of 1,515,002 alleles (0.041%); highest among the groups gnomAD compares: Non-Finnish European, 0.052%; 1 homozygote.

Submissions (4):

CeGaT Center for Human Genetics Tuebingen
Classification: Uncertain significance. Last evaluated: 2024-11-01. Review status: criteria provided, single submitter. Criteria: CeGaT Center For Human Genetics Tuebingen Variant Classification Criteria Version 2. Collection method: clinical testing. Allele origin: germline. Affected: yes. Observed: 1 variant allele.
Comment: CACNA1B: PP3

Women's Health and Genetics/Laboratory Corporation of America, LabCorp
Classification: Uncertain significance. Last evaluated: 2024-06-10. Review status: criteria provided, single submitter. Criteria: LabCorp Variant Classification Summary - May 2015. Collection method: clinical testing. Allele origin: germline.
Comment: Variant summary: CACNA1B c.6295C>T (p.Arg2099Trp) results in a non-conservative amino acid change in the encoded protein sequence. Two of four in-silico tools predict a benign effect of the variant on protein function. The variant allele was found at a frequency of 0.00021 in 116426 control chromosomes. This frequency is not significantly higher than estimated for a pathogenic variant in CACNA1B causing Neurodevelopmental Disorder With Seizures And Nonepileptic Hyperkinetic Movements, allowing no conclusion about variant significance. To our knowledge, no occurrence of c.6295C>T in individuals affected with Neurodevelopmental Disorder With Seizures And Nonepileptic Hyperkinetic Movements and no experimental evidence demonstrating its impact on protein function have been reported. ClinVar contains an entry for this variant (Variation ID: 2071066). Based on the evidence outlined above, the variant was classified as uncertain significance.

Labcorp Genetics (formerly Invitae), Labcorp
Classification: Uncertain significance. Last evaluated: 2022-08-04. Review status: criteria provided, single submitter. Criteria: Invitae Variant Classification Sherloc (09022015). Collection method: clinical testing. Allele origin: germline.
Comment: This sequence change replaces arginine, which is basic and polar, with tryptophan, which is neutral and slightly polar, at codon 2099 of the CACNA1B protein (p.Arg2099Trp). This variant is present in population databases (rs200428875, gnomAD 0.04%). This variant has not been reported in the literature in individuals affected with CACNA1B-related conditions. Advanced modeling of protein sequence and biophysical properties (such as structural, functional, and spatial information, amino acid conservation, physicochemical variation, residue mobility, and thermodynamic stability) performed at Invitae indicates that this missense variant is not expected to disrupt CACNA1B protein function. In summary, the available evidence is currently insufficient to determine the role of this variant in disease. Therefore, it has been classified as a Variant of Uncertain Significance.

Ambry Genetics
Classification: Uncertain significance. Last evaluated: 2021-10-06. Review status: criteria provided, single submitter. Criteria: Ambry Variant Classification Scheme 2023. Collection method: clinical testing. Allele origin: germline.

NM_000718.4(CACNA1B):c.6295C>T (p.Arg2099Trp)

Gene: CACNA1B (calcium voltage-gated channel subunit alpha1 B; plus strand). Cytogenetic location: 9q34.3.
Variant type: single nucleotide variant.
Coding change: c.6295C>T on transcript NM_000718.4 (MANE Select); coding-DNA position 6295, C replaced by T.
Protein change: p.Arg2099Trp; replaces arginine 2099 with tryptophan.
Molecular consequence: missense variant.
Genome position (GRCh38, 1-based): chr9:138,120,687, C>T. VCF-style: chr9-138120687-C-T. GRCh37 (hg19) VCF-style: chr9-141015139-C-T.
Other names: c.6295C>T, p.Arg2099Trp (NM_001243812.2); short protein forms R2099W.
Identifiers: ClinVar variation 2071066 (VCV002071066.17), dbSNP rs200428875, ClinGen allele CA5377679.